The following is an entry in ClinVar:

ClinVar aggregate classification (germline): Uncertain significance. Review status: criteria provided, multiple submitters, no conflicts (2 of 4 stars). 2 submissions from 2 submitters: Uncertain significance (2). Last evaluated 2024-06-13.

gnomAD v4.1: 10 of 1,612,688 alleles (0.00062%); highest among the groups gnomAD compares: East Asian, 0.0089%; no homozygotes.

Submissions (2):

Blueprint Genetics
Classification: Uncertain significance. Last evaluated: 2024-06-13. Review status: criteria provided, single submitter. Criteria: ACMG Guidelines, 2015. Collection method: clinical testing. Allele origin: germline.

GeneDx
Classification: Uncertain significance. Last evaluated: 2024-03-10. Review status: criteria provided, single submitter. Criteria: GeneDx Variant Classification Process June 2021. Collection method: clinical testing. Allele origin: germline. Affected: yes.
Comment: In silico analysis supports that this missense variant has a deleterious effect on protein structure/function; Has not been previously published as pathogenic or benign to our knowledge

NM_016239.4(MYO15A):c.9365C>T (p.Thr3122Ile)

Gene: MYO15A (myosin XVA; plus strand). Cytogenetic location: 17p11.2.
Variant type: single nucleotide variant.
Coding change: c.9365C>T on transcript NM_016239.4 (MANE Select); coding-DNA position 9365, C replaced by T.
Protein change: p.Thr3122Ile; replaces threonine 3122 with isoleucine.
Molecular consequence: missense variant.
Genome position (GRCh38, 1-based): chr17:18,159,996, C>T. VCF-style: chr17-18159996-C-T. GRCh37 (hg19) VCF-style: chr17-18063310-C-T.
Other names: short protein forms T3122I.
Identifiers: ClinVar variation 3370612 (VCV003370612.2).